The following is an entry in ClinVar:

NM_025152.3(NUBPL):c.726C>G (p.Phe242Leu)

Gene: NUBPL (NUBP iron-sulfur cluster assembly factor, mitochondrial; plus strand). Cytogenetic location: 14q12.
Variant type: single nucleotide variant.
Coding change: c.726C>G on transcript NM_025152.3 (MANE Select); coding-DNA position 726, C replaced by G.
Protein change: p.Phe242Leu; replaces phenylalanine 242 with leucine.
Molecular consequence: missense variant. On other transcripts: non-coding transcript variant (1).
Genome position (GRCh38, 1-based): chr14:31,846,503, C>G. VCF-style: chr14-31846503-C-G. GRCh37 (hg19) VCF-style: chr14-32315709-C-G.
Other names: c.438C>G, p.Phe146Leu (NM_001201573.2); c.177C>G, p.Phe59Leu (NM_001201574.2); short protein forms F242L, F146L, F59L.
Identifiers: ClinVar variation 635348 (VCV000635348.3), dbSNP rs767543623, ClinGen allele CA7147972.

ClinVar aggregate classification (germline): Pathogenic (1 of 4 stars; one submission).

Conditions:
Mitochondrial complex I deficiency, nuclear type 21. Also called: Mitochondrial complex 1 deficiency, nuclear type 21. Identifiers: MedGen C4748792, MONDO:0032625, OMIM 618242.

Allele frequency attached by ClinVar (database versions not stated): gnomAD exomes below 0.00001 and 0.00001; TOPMed below 0.00001; ExAC 0.00003.
gnomAD v4.1: 6 of 1,612,914 alleles (0.00037%); highest among the groups gnomAD compares: Non-Finnish European, 0.00051%; no homozygotes.

Submission:

Zeviani Lab, University of Cambridge
Classification: Pathogenic for Mitochondrial complex I deficiency, nuclear type 21. Last evaluated: 2019-06-26. Review status: criteria provided, single submitter. Criteria: ACMG Guidelines, 2015. Collection method: research. Allele origin: paternal. Inheritance: Autosomal recessive inheritance. Affected: yes. Observed: 1 compound heterozygote.
Comment: Complex I deficiency. Found as a compound heterozygote variant with c.311T>C (p.Leu104Pro).